The following is an entry in ClinVar:

ClinVar aggregate classification (germline): Uncertain significance. Review status: criteria provided, multiple submitters, no conflicts (2 of 4 stars). 2 submissions from 2 submitters: Uncertain significance (2). Last evaluated 2025-10-02.

Conditions:
Atypical hemolytic-uremic syndrome. Identifiers: Orphanet 2134, MedGen C2931788, MONDO:0016244.

Submissions (2):

Genomenon, Inc
Classification: Uncertain significance for Atypical hemolytic-uremic syndrome. Last evaluated: 2025-10-02. Review status: criteria provided, single submitter. Criteria: Genomenon Sequence Variant Interpretation Standards - Updated. Collection method: curation. Allele origin: germline. Affected: yes.
Comment: CFH p.Glu954del (c.2861_2863del) is an in-frame deletion variant that results in the deletion of a single amino acid, Glutamic acid at residue 954. This variant has been observed in at least one proband affected with atypical hemolytic-uremic syndrome (PMID:30890598). It is absent or not present at a significant frequency in gnomAD. In conclusion, we classify CFH p.Glu954del (c.2861_2863del) as a variant of uncertain significance.

Labcorp Genetics (formerly Invitae), Labcorp
Classification: Uncertain significance. Last evaluated: 2023-12-27. Review status: criteria provided, single submitter. Criteria: Invitae Variant Classification Sherloc (09022015). Collection method: clinical testing. Allele origin: germline.
Comment: This variant, c.2861_2863del, results in the deletion of 1 amino acid(s) of the CFH protein (p.Glu954del), but otherwise preserves the integrity of the reading frame. This variant is present in population databases (rs774399812, gnomAD 0.006%). This variant has not been reported in the literature in individuals affected with CFH-related conditions. Experimental studies and prediction algorithms are not available or were not evaluated, and the functional significance of this variant is currently unknown. Algorithms developed to predict the effect of sequence changes on RNA splicing suggest that this variant may disrupt the consensus splice site. In summary, the available evidence is currently insufficient to determine the role of this variant in disease. Therefore, it has been classified as a Variant of Uncertain Significance.

Literature cited by the submitters: PubMed 30890598 (cited by Genomenon, Inc).

NM_000186.4(CFH):c.2858AAG[1] (p.Glu954del)

Gene: CFH (complement factor H; plus strand). Cytogenetic location: 1q31.3.
Variant type: Microsatellite.
Coding change: c.2858AAG[1] on transcript NM_000186.4 (MANE Select); one copy of the 3-base unit AAG starting at c.2858; the reference has two copies in a row; one copy, 3 bases deleted; also written c.2861_2863del.
Protein change: p.Glu954del; deletes glutamic acid 954.
Molecular consequence: inframe deletion.
Genome position (GRCh38, 1-based): chr1:196,740,697-196,740,699, AAG deleted; deleting any 3 consecutive bases within chr1:196,740,692-196,740,699 gives the same sequence; the position shown is the placement nearest the transcript's 3' end. VCF-style (leftmost placement, unchanged base first): chr1-196740691-GAGA-G. GRCh37 (hg19) VCF-style: chr1-196709821-GAGA-G.
Other names: c.2861_2863del (NM_000186.4); short protein forms E954del.
Identifiers: ClinVar variation 3000926 (VCV003000926.4), dbSNP rs774399812, ClinGen allele CA1305763.